The following is an entry in ClinVar:

NM_001161403.3(LIMS2):c.718A>G (p.Lys240Glu)

Gene: LIMS2 (LIM zinc finger domain containing 2; minus strand). Cytogenetic location: 2q14.3.
Variant type: single nucleotide variant.
Coding change: c.718A>G on transcript NM_001161403.3 (MANE Select); coding-DNA position 718, A replaced by G.
Protein change: p.Lys240Glu; replaces lysine 240 with glutamic acid.
Molecular consequence: missense variant.
Genome position (GRCh38, 1-based): chr2:127,640,931, T>C on the plus strand (A>G on the coding strand, the complement: LIMS2 is on the minus strand). VCF-style: chr2-127640931-T-C. GRCh37 (hg19) VCF-style: chr2-128398506-T-C.
Other names: c.784A>G, p.Lys262Glu (NM_001136037.4); c.703A>G, p.Lys235Glu (NM_001161404.2); c.262A>G, p.Lys88Glu (NM_001256542.2); c.790A>G, p.Lys264Glu (NM_017980.5); short protein forms K262E, K264E, K235E, K240E, K88E.
Identifiers: ClinVar variation 3677760 (VCV003677760.2).

ClinVar aggregate classification (germline): Uncertain significance (1 of 4 stars; one submission).

Conditions:
Autosomal recessive limb-girdle muscular dystrophy type 2W (MDRCMTT). Also called: Muscular dystrophy, autosomal recessive, with cardiomyopathy and triangular tongue; Muscular dystrophy, limb-girdle, type 2W. Identifiers: MedGen C4225192, MONDO:0014788, OMIM 616827.

gnomAD v4.1: 1 of 1,613,868 alleles (0.000062%); highest among the groups gnomAD compares: Admixed American, 0.0017%; no homozygotes.

Submission:

Labcorp Genetics (formerly Invitae), Labcorp
Classification: Uncertain significance for Autosomal recessive limb-girdle muscular dystrophy type 2W. Last evaluated: 2024-05-16. Review status: criteria provided, single submitter. Criteria: Invitae Variant Classification Sherloc (09022015). Collection method: clinical testing. Allele origin: germline.
Comment: This sequence change replaces lysine, which is basic and polar, with glutamic acid, which is acidic and polar, at codon 262 of the LIMS2 protein (p.Lys262Glu). This variant is not present in population databases (gnomAD no frequency). This variant has not been reported in the literature in individuals affected with LIMS2-related conditions. Advanced modeling of protein sequence and biophysical properties (such as structural, functional, and spatial information, amino acid conservation, physicochemical variation, residue mobility, and thermodynamic stability) performed at Invitae indicates that this missense variant is not expected to disrupt LIMS2 protein function with a negative predictive value of 80%. In summary, the available evidence is currently insufficient to determine the role of this variant in disease. Therefore, it has been classified as a Variant of Uncertain Significance.